The following is an entry in ClinVar:

ClinVar aggregate classification (germline): Uncertain significance (0 of 4 stars; one submission).

Conditions:
MEFV-related disorder. Also called: MEFV-related disorders; MEFV-related condition.

Submission:

PreventionGenetics, part of Exact Sciences
Classification: Uncertain significance for MEFV-related condition. Last evaluated: 2023-12-20. Review status: no assertion criteria provided. Collection method: clinical testing. Allele origin: germline.
Comment: The MEFV c.2102C>A variant is predicted to result in the amino acid substitution p.Ala701Glu. To our knowledge, this variant has not been reported in the literature or in a large population database, indicating this variant is rare. At this time, the clinical significance of this variant is uncertain due to the absence of conclusive functional and genetic evidence.

NM_000243.3(MEFV):c.2102C>A (p.Ala701Glu)

Genes: MEFV (MEFV innate immunity regulator, pyrin; minus strand), LOC126862264 (CDK7 strongly-dependent group 2 enhancer GRCh37_chr16:3293322-3294521; plus strand). Cytogenetic location: 16p13.3.
Variant type: single nucleotide variant.
Coding change: c.2102C>A on transcript NM_000243.3 (MANE Select); coding-DNA position 2102, C replaced by A.
Protein change: p.Ala701Glu; replaces alanine 701 with glutamic acid.
Molecular consequence: missense variant. On other transcripts: 3 prime UTR variant (1).
Genome position (GRCh38, 1-based): chr16:3,243,385, G>T on the plus strand (C>A on the coding strand, the complement: MEFV is on the minus strand). VCF-style: chr16-3243385-G-T. GRCh37 (hg19) VCF-style: chr16-3293385-G-T.
Other names: c.*306C>A (NM_001198536.2); short protein forms A701E.
Identifiers: ClinVar variation 3031961 (VCV003031961.2), dbSNP rs760439284, ClinGen allele CA394485971.